The following is an entry in ClinVar:

NM_003676.4(DEGS1):c.22G>T (p.Glu8Ter)

Gene: DEGS1 (delta 4-desaturase, sphingolipid 1; plus strand). Cytogenetic location: 1q42.11.
Variant type: single nucleotide variant.
Coding change: c.22G>T on transcript NM_003676.4 (MANE Select); coding-DNA position 22, G replaced by T.
Protein change: p.Glu8Ter; replaces glutamic acid 8 with a stop codon.
Molecular consequence: nonsense.
Genome position (GRCh38, 1-based): chr1:224,183,358, G>T. VCF-style: chr1-224183358-G-T. GRCh37 (hg19) VCF-style: chr1-224371060-G-T.
Other names: c.22G>T, p.Glu8Ter (NM_001321541.2); short protein forms E8*.
Identifiers: ClinVar variation 2719969 (VCV002719969.3), dbSNP rs2527259690, ClinGen allele CA344707479.

ClinVar aggregate classification (germline): Pathogenic (1 of 4 stars; one submission).

Submission:

Labcorp Genetics (formerly Invitae), Labcorp
Classification: Pathogenic. Last evaluated: 2023-11-06. Review status: criteria provided, single submitter. Criteria: Invitae Variant Classification Sherloc (09022015). Collection method: clinical testing. Allele origin: germline.
Comment: This sequence change creates a premature translational stop signal (p.Glu8*) in the DEGS1 gene. It is expected to result in an absent or disrupted protein product. Loss-of-function variants in DEGS1 are known to be pathogenic (PMID: 30620337). This variant is not present in population databases (gnomAD no frequency). This variant has not been reported in the literature in individuals affected with DEGS1-related conditions. Algorithms developed to predict the effect of sequence changes on RNA splicing suggest that this variant may disrupt the consensus splice site. For these reasons, this variant has been classified as Pathogenic.

Literature cited by the submitters: PubMed 30620337.